The following is an entry in ClinVar:

ClinVar aggregate classification (germline): Uncertain significance (1 of 4 stars; one submission).

Conditions:
Fraser syndrome 1 (FRASRS1). Also called: CRYPTOPHTHALMOS WITH OTHER MALFORMATIONS. Identifiers: Orphanet 2052, MedGen C4551480, MONDO:0054737, OMIM 219000.

Allele frequency attached by ClinVar (database versions not stated): gnomAD exomes below 0.00001.
gnomAD v4.1: 1 of 1,614,022 alleles (0.000062%); highest among the groups gnomAD compares: Middle Eastern, 0.016%; no homozygotes.

Submission:

Baylor Genetics
Classification: Uncertain significance for Fraser syndrome 1. Last evaluated: 2019-11-22. Review status: criteria provided, single submitter. Criteria: ACMG Guidelines, 2015. Collection method: clinical testing. Allele origin: unknown. Affected: yes.
Comment: This variant was determined to be of uncertain significance according to ACMG Guidelines, 2015 [PMID:25741868].

NM_025074.7(FRAS1):c.1810A>G (p.Arg604Gly)

Gene: FRAS1 (Fraser extracellular matrix complex subunit 1; plus strand). Cytogenetic location: 4q21.21.
Variant type: single nucleotide variant.
Coding change: c.1810A>G on transcript NM_025074.7 (MANE Select); coding-DNA position 1810, A replaced by G.
Protein change: p.Arg604Gly; replaces arginine 604 with glycine.
Molecular consequence: missense variant.
Genome position (GRCh38, 1-based): chr4:78,315,725, A>G. VCF-style: chr4-78315725-A-G. GRCh37 (hg19) VCF-style: chr4-79236879-A-G.
Other names: c.1810A>G, p.Arg604Gly (NM_001166133.2); short protein forms R604G.
Identifiers: ClinVar variation 1028864 (VCV001028864.1), dbSNP rs1729217009, ClinGen allele CA357368073.